The following is an entry in ClinVar:

NM_001739.2(CA5A):c.774+4A>G

Gene: CA5A (carbonic anhydrase 5A; minus strand). Cytogenetic location: 16q24.2.
Variant type: single nucleotide variant.
Coding change: c.774+4A>G on transcript NM_001739.2 (MANE Select); 4 bases into the intron after coding-DNA position 774, A replaced by G.
Molecular consequence: intron variant.
Genome position (GRCh38, 1-based): chr16:87,891,795, T>C on the plus strand (A>G on the coding strand, the complement: CA5A is on the minus strand). VCF-style: chr16-87891795-T-C. GRCh37 (hg19) VCF-style: chr16-87925401-T-C.
Other names: c.774+4A>G (NM_001367225.1).
Identifiers: ClinVar variation 3262587 (VCV003262587.1).

ClinVar aggregate classification (germline): Uncertain significance (1 of 4 stars; one submission).

Conditions:
Inborn genetic diseases. Identifiers: MedGen C0950123, MeSH D030342.

Submission:

Ambry Genetics
Classification: Uncertain significance for Inborn genetic diseases. Last evaluated: 2024-05-22. Review status: criteria provided, single submitter. Criteria: Ambry Variant Classification Scheme 2023. Collection method: clinical testing. Allele origin: germline.
Comment: The c.774+4A>G intronic alteration consists of a A to G substitution nucleotides after coding exon 6 in the CA5A gene. Based on insufficient or conflicting evidence, the clinical significance of this alteration remains unclear.